The following is an entry in ClinVar:

NM_013432.5(TONSL):c.1426G>A (p.Ala476Thr)

Gene: TONSL (tonsoku like, DNA repair protein; minus strand). Cytogenetic location: 8q24.3.
Variant type: single nucleotide variant.
Coding change: c.1426G>A on transcript NM_013432.5 (MANE Select); coding-DNA position 1426, G replaced by A.
Protein change: p.Ala476Thr; replaces alanine 476 with threonine.
Molecular consequence: missense variant.
Genome position (GRCh38, 1-based): chr8:144,440,075, C>T on the plus strand (G>A on the coding strand, the complement: TONSL is on the minus strand). VCF-style: chr8-144440075-C-T. GRCh37 (hg19) VCF-style: chr8-145665458-C-T.
Other names: short protein forms A476T.
Identifiers: ClinVar variation 1012149 (VCV001012149.2), dbSNP rs762164028, ClinGen allele CA4943242.
Genomic context (GRCh38, chr8:144,440,075, plus strand): 5'-CCTCACCGCCCTCTGAGAGCTCCACCTCGCCGGCCTCCAGGGCTTCGCTCTCCGCTGTGG[C>T]TGCCGCCTCCTCCGCCTCCTCCTCCTCATCTTCATCTTCAGCTACACTGAGCTCCCGTAG-3'
Protein context (NP_038460.4, residues 466-486): DEEEEAEEAA[Ala476Thr]TAESEALEAG

ClinVar aggregate classification (germline): Uncertain significance (1 of 4 stars; one submission).

Allele frequency attached by ClinVar (database versions not stated): gnomAD exomes below 0.00001 and 0.00001; ExAC 0.00001.
gnomAD v4.1: 5 of 1,595,368 alleles (0.00031%); highest among the groups gnomAD compares: Non-Finnish European, 0.00043%; no homozygotes.

Submission:

Labcorp Genetics (formerly Invitae), Labcorp
Classification: Uncertain significance. Last evaluated: 2021-08-27. Review status: criteria provided, single submitter. Criteria: Invitae Variant Classification Sherloc (09022015). Collection method: clinical testing. Allele origin: germline.
Comment: This sequence change replaces alanine with threonine at codon 476 of the TONSL protein (p.Ala476Thr). The alanine residue is moderately conserved and there is a small physicochemical difference between alanine and threonine. This variant is present in population databases (rs762164028, ExAC 0.002%). This variant has not been reported in the literature in individuals affected with TONSL-related conditions. Algorithms developed to predict the effect of missense changes on protein structure and function output the following: SIFT: "Tolerated"; PolyPhen-2: "Benign"; Align-GVGD: "Class C0". The threonine amino acid residue is found in multiple mammalian species, which suggests that this missense change does not adversely affect protein function. In summary, the available evidence is currently insufficient to determine the role of this variant in disease. Therefore, it has been classified as a Variant of Uncertain Significance.